The following is an entry in ClinVar:

NM_001378414.1(HDAC4):c.2980G>A (p.Val994Ile)

Gene: HDAC4 (histone deacetylase 4; minus strand). Cytogenetic location: 2q37.3.
Variant type: single nucleotide variant.
Coding change: c.2980G>A on transcript NM_001378414.1 (MANE Select); coding-DNA position 2980, G replaced by A.
Protein change: p.Val994Ile; replaces valine 994 with isoleucine.
Molecular consequence: missense variant.
Genome position (GRCh38, 1-based): chr2:239,066,745, C>T on the plus strand (G>A on the coding strand, the complement: HDAC4 is on the minus strand). VCF-style: chr2-239066745-C-T. GRCh37 (hg19) VCF-style: chr2-239988441-C-T.
Other names: c.2980G>A, p.Val994Ile (NM_001378415.1); c.2965G>A, p.Val989Ile (NM_001378416.1, NM_001378417.1, NM_006037.4); c.2899G>A, p.Val967Ile (NM_001435991.1, NM_001435992.1); c.2821G>A, p.Val941Ile (NM_001435993.1); short protein forms V941I, V967I, V989I, V994I.
Identifiers: ClinVar variation 5016956 (VCV005016956.1).

ClinVar aggregate classification (germline): Uncertain significance (1 of 4 stars; one submission).

Submission:

GeneDx
Classification: Uncertain significance. Last evaluated: 2026-03-17. Review status: criteria provided, single submitter. Criteria: GeneDx Variant Classification Process June 2021. Collection method: clinical testing. Allele origin: germline.
Comment: Not observed at significant frequency in large population cohorts (gnomAD); In silico analysis suggests that this missense variant does not alter protein structure/function; Has not been previously published as pathogenic or benign to our knowledge